The following is an entry in ClinVar:

NM_001111.5(ADAR):c.2476C>T (p.Pro826Ser)

Gene: ADAR (adenosine deaminase RNA specific; minus strand). Cytogenetic location: 1q21.3.
Variant type: single nucleotide variant.
Coding change: c.2476C>T on transcript NM_001111.5 (MANE Select); coding-DNA position 2476, C replaced by T.
Protein change: p.Pro826Ser; replaces proline 826 with serine.
Molecular consequence: missense variant. On other transcripts: intron variant (3).
Genome position (GRCh38, 1-based): chr1:154,590,204, G>A on the plus strand (C>T on the coding strand, the complement: ADAR is on the minus strand). VCF-style: chr1-154590204-G-A. GRCh37 (hg19) VCF-style: chr1-154562680-G-A.
Other names: c.1591C>T, p.Pro531Ser (NM_001025107.3, NM_001193495.2, NM_001365046.1 and 2 more transcripts); c.2503C>T, p.Pro835Ser (NM_001365045.1); c.1533+58C>T (NM_001365049.1); c.2361+58C>T (NM_015841.4); c.2418+58C>T (NM_015840.4); short protein forms P835S, P531S, P826S.
Identifiers: ClinVar variation 2098738 (VCV002098738.4), dbSNP rs900892167, ClinGen allele CA30853816.

ClinVar aggregate classification (germline): Uncertain significance (1 of 4 stars; one submission).

Conditions:
Symmetrical dyschromatosis of extremities (DSH). Also called: DYSCHROMATOSIS SYMMETRICA HEREDITARIA 1; RETICULATE ACROPIGMENTATION OF DOHI; SYMMETRIC DYSCHROMATOSIS OF THE EXTREMITIES; Dyschromatosis symmetrica hereditaria. Identifiers: Orphanet 41, MedGen C0406775, MONDO:0007483, OMIM 127400.
Aicardi-Goutieres syndrome 6 (AGS6). Identifiers: Orphanet 51, MedGen C3539013, MONDO:0014007, OMIM 615010.

Submission:

Labcorp Genetics (formerly Invitae), Labcorp
Classification: Uncertain significance for Aicardi-Goutieres syndrome 6; Symmetrical dyschromatosis of extremities. Last evaluated: 2025-08-14. Review status: criteria provided, single submitter. Criteria: Invitae Variant Classification Sherloc (09022015). Collection method: clinical testing. Allele origin: germline.
Comment: This sequence change replaces proline, which is neutral and non-polar, with serine, which is neutral and polar, at codon 826 of the ADAR protein (p.Pro826Ser). This variant is not present in population databases (gnomAD no frequency). This variant has not been reported in the literature in individuals affected with ADAR-related conditions. ClinVar contains an entry for this variant (Variation ID: 2098738). An algorithm developed to predict the effect of missense changes on protein structure and function (PolyPhen-2) suggests that this variant is likely to be disruptive. In summary, the available evidence is currently insufficient to determine the role of this variant in disease. Therefore, it has been classified as a Variant of Uncertain Significance.